The following is an entry in ClinVar:

NM_000372.5(TYR):c.74T>C (p.Val25Ala)

Gene: TYR (tyrosinase; plus strand). Cytogenetic location: 11q14.3.
Variant type: single nucleotide variant.
Coding change: c.74T>C on transcript NM_000372.5 (MANE Select); coding-DNA position 74, T replaced by C.
Protein change: p.Val25Ala; replaces valine 25 with alanine.
Molecular consequence: missense variant.
Genome position (GRCh38, 1-based): chr11:89,178,027, T>C. VCF-style: chr11-89178027-T-C. GRCh37 (hg19) VCF-style: chr11-88911195-T-C.
Other names: short protein forms V25A.
Identifiers: ClinVar variation 2126395 (VCV002126395.4), dbSNP rs2533920752, ClinGen allele CA382033270.
Genomic context (GRCh38, chr11:89,178,027, plus strand): 5'-TTTTGTACTGCCTGCTGTGGAGTTTCCAGACCTCCGCTGGCCATTTCCCTAGAGCCTGTG[T>C]CTCCTCTAAGAACCTGATGGAGAAGGAATGCTGTCCACCGTGGAGCGGGGACAGGAGTCC-3'
Protein context (NP_000363.1, residues 15-35): TSAGHFPRAC[Val25Ala]SSKNLMEKEC

ClinVar aggregate classification (germline): Uncertain significance (1 of 4 stars; one submission).

Allele frequency attached by ClinVar (database versions not stated): gnomAD exomes below 0.00001.
gnomAD v4.1: 1 of 1,614,132 alleles (0.000062%); highest among the groups gnomAD compares: Non-Finnish European, 0.000085%; no homozygotes.

Submission:

Labcorp Genetics (formerly Invitae), Labcorp
Classification: Uncertain significance. Last evaluated: 2022-09-06. Review status: criteria provided, single submitter. Criteria: Invitae Variant Classification Sherloc (09022015). Collection method: clinical testing. Allele origin: germline.
Comment: Advanced modeling of protein sequence and biophysical properties (such as structural, functional, and spatial information, amino acid conservation, physicochemical variation, residue mobility, and thermodynamic stability) performed at Invitae indicates that this missense variant is not expected to disrupt TYR protein function. In summary, the available evidence is currently insufficient to determine the role of this variant in disease. Therefore, it has been classified as a Variant of Uncertain Significance. This variant is not present in population databases (gnomAD no frequency). This sequence change replaces valine, which is neutral and non-polar, with alanine, which is neutral and non-polar, at codon 25 of the TYR protein (p.Val25Ala). This variant has not been reported in the literature in individuals affected with TYR-related conditions.